The following is an entry in ClinVar:

ClinVar aggregate classification (germline): Uncertain significance. Review status: criteria provided, multiple submitters, no conflicts (2 of 4 stars). 2 submissions from 2 submitters: Uncertain significance (2). Last evaluated 2024-11-27.

Conditions:
Emery-Dreifuss muscular dystrophy 4, autosomal dominant (EDMD4). Also called: EMERY-DREIFUSS MUSCULAR DYSTROPHY 4 WITH VARIABLE FEATURES. Identifiers: Orphanet 261, MedGen C2751807, MONDO:0013071, OMIM 612998.
Autosomal recessive ataxia, Beauce type. Also called: SYNE1 Deficiency; Spinocerebellar ataxia, autosomal recessive 8; ATAXIA, RECESSIVE, OF BEAUCE; SYNE1-Related Autosomal Recessive Cerebellar Ataxia. Identifiers: Orphanet 88644, MedGen C1853116, MONDO:0012549, OMIM 610743.

gnomAD v4.1: 14 of 1,614,068 alleles (0.00087%); highest among the groups gnomAD compares: African/African-American, 0.016%; no homozygotes.

Submissions (2):

Labcorp Genetics (formerly Invitae), Labcorp
Classification: Uncertain significance for Emery-Dreifuss muscular dystrophy 4, autosomal dominant; Autosomal recessive ataxia, Beauce type. Last evaluated: 2024-11-27. Review status: criteria provided, single submitter. Criteria: Invitae Variant Classification Sherloc (09022015). Collection method: clinical testing. Allele origin: germline.
Comment: This sequence change replaces glutamic acid, which is acidic and polar, with lysine, which is basic and polar, at codon 3503 of the SYNE1 protein (p.Glu3503Lys). This variant is present in population databases (rs144692175, gnomAD 0.02%). This variant has not been reported in the literature in individuals affected with SYNE1-related conditions. An algorithm developed to predict the effect of missense changes on protein structure and function (PolyPhen-2) suggests that this variant is likely to be tolerated. In summary, the available evidence is currently insufficient to determine the role of this variant in disease. Therefore, it has been classified as a Variant of Uncertain Significance.

Women's Health and Genetics/Laboratory Corporation of America, LabCorp
Classification: Uncertain significance. Last evaluated: 2024-06-20. Review status: criteria provided, single submitter. Criteria: LabCorp Variant Classification Summary - May 2015. Collection method: clinical testing. Allele origin: germline.
Comment: Variant summary: SYNE1 c.10507G>A (p.Glu3503Lys) results in a conservative amino acid change in the encoded protein sequence. Three of five in-silico tools predict a damaging effect of the variant on protein function. The variant allele was found at a frequency of 1.2e-05 in 251480 control chromosomes (gnomAD). The available data on variant occurrences in the general population are insufficient to allow any conclusion about variant significance. To our knowledge, no occurrence of c.10507G>A in individuals affected with SYNE1-Related Disorders and no experimental evidence demonstrating its impact on protein function have been reported. No submitters have cited clinical-significance assessments for this variant to ClinVar. Based on the evidence outlined above, the variant was classified as uncertain significance.

NM_182961.4(SYNE1):c.10486G>A (p.Glu3496Lys)

Gene: SYNE1 (spectrin repeat containing nuclear envelope protein 1; minus strand). Cytogenetic location: 6q25.2.
Variant type: single nucleotide variant.
Coding change: c.10486G>A on transcript NM_182961.4 (MANE Select); coding-DNA position 10486, G replaced by A.
Protein change: p.Glu3496Lys; replaces glutamic acid 3496 with lysine.
Molecular consequence: missense variant.
Genome position (GRCh38, 1-based): chr6:152,358,495, C>T on the plus strand (G>A on the coding strand, the complement: SYNE1 is on the minus strand). VCF-style: chr6-152358495-C-T. GRCh37 (hg19) VCF-style: chr6-152679630-C-T.
Other names: c.10507G>A, p.Glu3503Lys (NM_033071.5); short protein forms E3496K, E3503K.
Identifiers: ClinVar variation 3339940 (VCV003339940.3).
Genomic context (GRCh38, chr6:152,358,495, plus strand): 5'-CGAGCTTTTCTTGTTCTTGCCCCAACCAAACTTCAAATGCCTTTAGGTCTCTCTGATACT[C>T]TTGGTGCAGGCGGACAAGTTTTTCAGACTTGGTTACGGCTTCCTATAATTAGCATTTAAA-3'
Protein context (NP_892006.3, residues 3486-3506): KSEKLVRLHQ[Glu3496Lys]YQRDLKAFEV